The following is an entry in ClinVar:

NM_015450.3(POT1):c.147del (p.Ile49fs)

Gene: POT1 (protection of telomeres 1; minus strand). Cytogenetic location: 7q31.33.
Variant type: Deletion.
Coding change: c.147del on transcript NM_015450.3 (MANE Select); coding-DNA position 147, one base deleted (T; older notation c.147delT).
Protein change: p.Ile49fs; shifts the reading frame from isoleucine 49.
Molecular consequence: frameshift variant. On other transcripts: non-coding transcript variant (3), intron variant (1).
Genome position (GRCh38, 1-based): chr7:124,871,019, A deleted on the plus strand (T on the coding strand, the reverse complement: POT1 is on the minus strand); the first of 2 consecutive A bases (chr7:124,871,019-124,871,020); deleting either gives the same sequence. VCF-style (leftmost placement, unchanged base first): chr7-124871018-CA-C. GRCh37 (hg19) VCF-style: chr7-124511072-CA-C.
Other names: c.-138-7379del (NM_001042594.2); c.147delT (NM_015450.3); short protein forms I49fs.
Identifiers: ClinVar variation 420174 (VCV000420174.43), dbSNP rs1064794328, ClinGen allele CA16618349.

ClinVar aggregate classification (germline): Pathogenic. Review status: criteria provided, multiple submitters, no conflicts (2 of 4 stars). 6 submissions from 6 submitters: Pathogenic (5). 1 of the submissions does not count toward it. Last evaluated 2026-02-03.

Conditions:
Long telomere syndrome.
Hereditary cancer-predisposing syndrome. Also called: Tumor predisposition; Hereditary Cancer Syndrome; Hereditary neoplastic syndrome; Neoplastic Syndromes, Hereditary. Identifiers: Orphanet 140162, MedGen C0027672, MeSH D009386, MONDO:0015356.
Tumor predisposition syndrome 3 (TPDS3). Also called: Glioma susceptibility 9; LONG TELOMERE SYNDROME, POT1-RELATED; POT1 Tumor Predisposition; Melanoma, cutaneous malignant, susceptibility to, 10. Identifiers: Orphanet 618, MedGen C4014476, MONDO:0014368, OMIM 615848.

Submissions (6):

Labcorp Genetics (formerly Invitae), Labcorp
Classification: Pathogenic for Tumor predisposition syndrome 3. Last evaluated: 2026-02-03. Review status: criteria provided, single submitter. Criteria: Invitae Variant Classification Sherloc (09022015). Collection method: clinical testing. Allele origin: germline.
Comment: This sequence change creates a premature translational stop signal (p.Ile49Metfs*7) in the POT1 gene. It is expected to result in an absent or disrupted protein product. Loss-of-function variants in POT1 are known to be pathogenic (PMID: 32155570). This variant is not present in population databases (gnomAD no frequency). This premature translational stop signal has been observed in individual(s) with clinical features of POT1-related conditions (PMID: 25877891, 35456397, 37466057). ClinVar contains an entry for this variant (Variation ID: 420174). For these reasons, this variant has been classified as Pathogenic.

Institute for Genomic Medicine (IGM) Clinical Laboratory, Nationwide Children's Hospital
Classification: Pathogenic for Tumor predisposition syndrome 3. Last evaluated: 2024-07-17. Review status: criteria provided, single submitter. Criteria: ACMG Guidelines, 2015. Collection method: clinical testing. Allele origin: germline.
Comment: This variant is predicted to result in loss of function through nonsense-mediated decay of the encoded transcript or premature truncation of the encoded protein in a gene in which loss of function is a known mechanism of disease (ACMG/AMP: PVS1; PMIDs:32155570, 27528712, 24686849). This variant has been reported at an elevated frequency in affected individuals/in multiple affected individuals in the literature (ACMG/AMP: PS4; PMIDs:25877891, 35456397, 37466057). This variant is absent from or present at an exceedingly low frequency in gnomAD, a large-scale control population database (ACMG/AMP: PM2).

Victorian Clinical Genetics Services, Murdoch Childrens Research Institute
Classification: Pathogenic for Hereditary cancer-predisposing syndrome. Last evaluated: 2023-07-17. Review status: criteria provided, single submitter. Criteria: ACMG Guidelines, 2015. Collection method: clinical testing. Allele origin: germline. Inheritance: Autosomal dominant inheritance. Affected: yes.
Comment: Based on the classification scheme VCGS_Germline_v1.3.4, this variant is classified as Pathogenic. Following criteria are met: 0102 - Loss of function is a known mechanism of disease in this gene and is associated with hereditary neoplastic syndrome (MONDO#0015356), POT1-related. (I) 0107 - This gene is associated with autosomal dominant disease. (I) 0112 - The condition associated with this gene has incomplete penetrance (PMIDs: 25482530, 29693246, 33216348). (I) 0201 - Variant is predicted to cause nonsense-mediated decay (NMD) and loss of protein (premature termination codon is located at least 54 nucleotides upstream of the final exon-exon junction). (SP) 0251 - This variant is heterozygous. (I) 0302 - Variant is present in gnomAD <0.001 for a dominant condition (v3: 1 heterozygote, 0 homozygotes). (SP) 0701 - Other NMD-predicted variants comparable to the one identified in this case have very strong previous evidence for pathogenicity (DECIPHER; PMIDs: 25482530, 27528712, 34769003). (SP) 0802 - This variant has moderate previous evidence of pathogenicity in unrelated individuals. It has been identified as a germline variant in an individual with a history of multiple primary tumours (PMID: 35456397), an individual with glioma (PMID: 25877891); and classified as likely pathogenic/pathogenic by diagnostic laboratories in ClinVar. (SP) 1007 - No published functional evidence has been identified for this variant. (I) 1208 - Inheritance information for this variant is not currently available in this individual. (I) Legend: (SP) - Supporting pathogenic, (I) - Information, (SB) - Supporting benign

GeneDx
Classification: Pathogenic. Last evaluated: 2023-07-10. Review status: criteria provided, single submitter. Criteria: GeneDx Variant Classification Process June 2021. Collection method: clinical testing. Allele origin: germline. Affected: yes.
Comment: Frameshift variant predicted to result in protein truncation or nonsense mediated decay in a gene for which loss-of-function is a known mechanism of disease; Not observed in large population cohorts (gnomAD); Observed in an individual with glioma and in another individual with multiple cancers including lymphoma, melanoma, and papillary thyroid cancer (Jones et al., 2015; Jajosky et al., 2022); This variant is associated with the following publications: (PMID: 35456397, 25877891)

Ambry Genetics
Classification: Pathogenic for Hereditary cancer-predisposing syndrome. Last evaluated: 2023-01-04. Review status: criteria provided, single submitter. Criteria: Ambry Variant Classification Scheme 2023. Collection method: clinical testing. Allele origin: germline.
Comment: The c.147delT pathogenic mutation, located in coding exon 3 of the POT1 gene, results from a deletion of one nucleotide at nucleotide position 147, causing a translational frameshift with a predicted alternate stop codon (p.I49Mfs*7). This alteration has been reported in an individual diagnosed with glioma (Jones S et al. Sci Transl Med, 2015 Apr;7:283ra53). In addition to the clinical data presented in the literature, this alteration is expected to result in loss of function by premature protein truncation or nonsense-mediated mRNA decay. As such, this alteration is interpreted as a disease-causing mutation.

The Telomere Center at Johns Hopkins, Johns Hopkins University School of Medicine
Classification: Pathogenic for Long telomere syndrome. Last evaluated: 2022-08-01. Review status: no assertion criteria provided. Collection method: clinical testing. Allele origin: germline. Affected: yes. Not counted in ClinVar's aggregate classification.

Literature cited by the submitters: PubMed 32155570 (cited by Labcorp Genetics (formerly Invitae), Labcorp and Institute for Genomic Medicine (IGM) Clinical Laboratory, Nationwide Children's Hospital); PubMed 25877891 (cited by 4 submitters); PubMed 35456397 (cited by 3 submitters); PubMed 37466057 (cited by Labcorp Genetics (formerly Invitae), Labcorp and Institute for Genomic Medicine (IGM) Clinical Laboratory, Nationwide Children's Hospital); PubMed 27528712 (cited by Institute for Genomic Medicine (IGM) Clinical Laboratory, Nationwide Children's Hospital and Victorian Clinical Genetics Services, Murdoch Childrens Research Institute); PubMed 24686849 (cited by Institute for Genomic Medicine (IGM) Clinical Laboratory, Nationwide Children's Hospital); PubMed 25482530 (cited by Victorian Clinical Genetics Services, Murdoch Childrens Research Institute); PubMed 29693246 (cited by Victorian Clinical Genetics Services, Murdoch Childrens Research Institute); PubMed 33216348 (cited by Victorian Clinical Genetics Services, Murdoch Childrens Research Institute); PubMed 34769003 (cited by Victorian Clinical Genetics Services, Murdoch Childrens Research Institute).